The following is an entry in ClinVar:

NM_020297.4(ABCC9):c.2726A>G (p.His909Arg)

Gene: ABCC9 (ATP binding cassette subfamily C member 9; minus strand). Cytogenetic location: 12p12.1.
Variant type: single nucleotide variant.
Coding change: c.2726A>G on transcript NM_020297.4 (MANE Select); coding-DNA position 2726, A replaced by G.
Protein change: p.His909Arg; replaces histidine 909 with arginine.
Molecular consequence: missense variant.
Genome position (GRCh38, 1-based): chr12:21,852,140, T>C on the plus strand (A>G on the coding strand, the complement: ABCC9 is on the minus strand). VCF-style: chr12-21852140-T-C. GRCh37 (hg19) VCF-style: chr12-22005074-T-C.
Other names: c.2726A>G, p.His909Arg (NM_001377273.1, NM_005691.4); c.1859A>G, p.His620Arg (NM_001377274.1); short protein forms H620R, H909R.
Identifiers: ClinVar variation 1052435 (VCV001052435.9), dbSNP rs2137441094, ClinGen allele CA384123694.

ClinVar aggregate classification (germline): Uncertain significance (1 of 4 stars; one submission).

Conditions:
Dilated cardiomyopathy 1O (CMD1O). Also called: CARDIOMYOPATHY, DILATED, WITH VENTRICULAR TACHYCARDIA. Identifiers: Orphanet 154, MedGen C1837839, MONDO:0012062, OMIM 608569.

Submission:

Labcorp Genetics (formerly Invitae), Labcorp
Classification: Uncertain significance for Dilated cardiomyopathy 1O. Last evaluated: 2020-03-14. Review status: criteria provided, single submitter. Criteria: Invitae Variant Classification Sherloc (09022015). Collection method: clinical testing. Allele origin: germline.
Comment: This sequence change replaces histidine with arginine at codon 909 of the ABCC9 protein (p.His909Arg). The histidine residue is moderately conserved and there is a small physicochemical difference between histidine and arginine. In summary, the available evidence is currently insufficient to determine the role of this variant in disease. Therefore, it has been classified as a Variant of Uncertain Significance. Algorithms developed to predict the effect of missense changes on protein structure and function (SIFT, PolyPhen-2, Align-GVGD) all suggest that this variant is likely to be tolerated, but these predictions have not been confirmed by published functional studies and their clinical significance is uncertain. This variant has not been reported in the literature in individuals with ABCC9-related conditions. This variant is not present in population databases (ExAC no frequency).